The following is an entry in ClinVar:

NM_002474.3(MYH11):c.4953+15G>A

Genes: NDE1 (nudE neurodevelopment protein 1; plus strand), MYH11 (myosin heavy chain 11; minus strand). Cytogenetic location: 16p13.11.
Variant type: single nucleotide variant.
Coding change: c.4953+15G>A on transcript NM_002474.3 (MANE Select); 15 bases into the intron after coding-DNA position 4953, G replaced by A.
Molecular consequence: intron variant.
Genome position (GRCh38, 1-based): chr16:15,720,136, C>T on the plus strand (G>A on the coding strand, the complement: MYH11 is on the minus strand). VCF-style: chr16-15720136-C-T. GRCh37 (hg19) VCF-style: chr16-15813993-C-T.
Other names: c.948-4055C>T (NM_001143979.2, NM_017668.3); c.4953+15G>A (NM_022844.3); c.4974+15G>A (NM_001040114.2, NM_001040113.2).
Identifiers: ClinVar variation 384457 (VCV000384457.5), dbSNP rs767255396, ClinGen allele CA7921498.

ClinVar aggregate classification (germline): Likely benign. Review status: criteria provided, multiple submitters, no conflicts (2 of 4 stars). 2 submissions from 2 submitters: Likely benign (2). Last evaluated 2024-05-31.

Conditions:
Aortic aneurysm, familial thoracic 4 (AAT4). Also called: AORTIC ANEURYSM/AORTIC DISSECTION AND PATENT DUCTUS ARTERIOSUS. Identifiers: MedGen C1851504, MONDO:0007568, OMIM 132900.

Allele frequency attached by ClinVar (database versions not stated): gnomAD 0.00002; TOPMed 0.00003; ExAC 0.00006; gnomAD exomes 0.00009.
gnomAD v4.1: 29 of 1,614,016 alleles (0.0018%); highest among the groups gnomAD compares: Admixed American, 0.047%; no homozygotes.

Submissions (2):

Labcorp Genetics (formerly Invitae), Labcorp
Classification: Likely benign for Aortic aneurysm, familial thoracic 4. Last evaluated: 2024-05-31. Review status: criteria provided, single submitter. Criteria: Invitae Variant Classification Sherloc (09022015). Collection method: clinical testing. Allele origin: germline.

GeneDx
Classification: Likely benign. Last evaluated: 2016-03-03. Review status: criteria provided, single submitter. Criteria: GeneDx Variant Classification (06012015). Collection method: clinical testing. Allele origin: germline. Affected: yes.
Comment: This variant is considered likely benign or benign based on one or more of the following criteria: it is a conservative change, it occurs at a poorly conserved position in the protein, it is predicted to be benign by multiple in silico algorithms, and/or has population frequency not consistent with disease.